The following is an entry in ClinVar:

ClinVar aggregate classification (germline): Uncertain significance. Review status: criteria provided, multiple submitters, no conflicts (2 of 4 stars). 2 submissions from 2 submitters: Uncertain significance (2). Last evaluated 2026-01-05.

Conditions:
Inborn genetic diseases. Identifiers: MedGen C0950123, MeSH D030342.

gnomAD v4.1: 1 of 1,613,714 alleles (0.000062%); highest among the groups gnomAD compares: East Asian, 0.0022%; no homozygotes.

Submissions (2):

Labcorp Genetics (formerly Invitae), Labcorp
Classification: Uncertain significance. Last evaluated: 2026-01-05. Review status: criteria provided, single submitter. Criteria: Invitae Variant Classification Sherloc (09022015). Collection method: clinical testing. Allele origin: germline.
Comment: This sequence change replaces leucine, which is neutral and non-polar, with arginine, which is basic and polar, at codon 491 of the CFI protein (p.Leu491Arg). This variant is present in population databases (rs755756087, gnomAD 0.006%). This variant has not been reported in the literature in individuals affected with CFI-related conditions. ClinVar contains an entry for this variant (Variation ID: 4001780). Invitae Evidence Modeling of protein sequence and biophysical properties (such as structural, functional, and spatial information, amino acid conservation, physicochemical variation, residue mobility, and thermodynamic stability) indicates that this missense variant is expected to disrupt CFI protein function with a positive predictive value of 80%. In summary, the available evidence is currently insufficient to determine the role of this variant in disease. Therefore, it has been classified as a Variant of Uncertain Significance.

Ambry Genetics
Classification: Uncertain significance for Inborn genetic diseases. Last evaluated: 2025-06-07. Review status: criteria provided, single submitter. Criteria: Ambry Variant Classification Scheme 2023. Collection method: clinical testing. Allele origin: germline.

NM_000204.5(CFI):c.1472T>G (p.Leu491Arg)

Gene: CFI (complement factor I; minus strand). Cytogenetic location: 4q25.
Variant type: single nucleotide variant.
Coding change: c.1472T>G on transcript NM_000204.5 (MANE Select); coding-DNA position 1472, T replaced by G.
Protein change: p.Leu491Arg; replaces leucine 491 with arginine.
Molecular consequence: missense variant. On other transcripts: non-coding transcript variant (3).
Genome position (GRCh38, 1-based): chr4:109,742,553, A>C on the plus strand (T>G on the coding strand, the complement: CFI is on the minus strand). VCF-style: chr4-109742553-A-C. GRCh37 (hg19) VCF-style: chr4-110663709-A-C.
Other names: c.1496T>G, p.Leu499Arg (NM_001318057.2, NM_001375278.1); c.1451T>G, p.Leu484Arg (NM_001331035.2, NM_001375280.1, NM_001375282.1); c.1472T>G, p.Leu491Arg (NM_001375279.1, NM_001375281.1); c.1415T>G, p.Leu472Arg (NM_001375283.1); c.863T>G, p.Leu288Arg (NM_001375284.1); short protein forms L491R, L499R, L288R, L472R, L484R.
Identifiers: ClinVar variation 4001780 (VCV004001780.2).
Genomic context (GRCh38, chr4:109,742,553, plus strand): 5'-GCACATTCCATTTCTTTTTCATAGAAACGATTTCCGTAAAACTTAGAGCAGTTGCTTATT[A>C]GTTTAACTTCACCCCACTGAAGTGAAAAGACTCTTTCGTTATCTAAACAAAGTGAGAAAG-3'
Protein context (NP_000195.3, residues 481-501): VFSLQWGEVK[Leu491Arg]ISNCSKFYGN